The following is an entry in ClinVar:

NM_018979.4(WNK1):c.5231G>T (p.Gly1744Val)

Gene: WNK1 (WNK lysine deficient protein kinase 1; plus strand). Cytogenetic location: 12p13.33.
Variant type: single nucleotide variant.
Coding change: c.5231G>T on transcript NM_018979.4 (MANE Select); coding-DNA position 5231, G replaced by T.
Protein change: p.Gly1744Val; replaces glycine 1744 with valine.
Molecular consequence: missense variant.
Genome position (GRCh38, 1-based): chr12:886,035, G>T. VCF-style: chr12-886035-G-T. GRCh37 (hg19) VCF-style: chr12-995201-G-T.
Other names: c.4490G>T, p.Gly1497Val (NM_014823.3); c.5987G>T, p.Gly1996Val (NM_213655.5); c.6011G>T, p.Gly2004Val (NM_001184985.2); short protein forms G1497V, G1744V, G1996V, G2004V.
Identifiers: ClinVar variation 3750725 (VCV003750725.2).
Genomic context (GRCh38, chr12:886,035, plus strand): 5'-CAGTTACACCAGTGGTCACACCTGGGCAAGTTTCTACCCCAGTCAGCACTACTACATCAG[G>T]AGTGAAACCTGGAACTGCTCCCTCCAAGCCACCTCTAACTAAGGCTCCGGTAAAATTATT-3'
Protein context (NP_061852.3, residues 1734-1754): VSTPVSTTTS[Gly1744Val]VKPGTAPSKP

ClinVar aggregate classification (germline): Uncertain significance (1 of 4 stars; one submission).

Conditions:
Neuropathy, hereditary sensory and autonomic, type 2A (HSAN2A). Also called: ACROOSTEOLYSIS, GIACCAI TYPE; ACROOSTEOLYSIS, NEUROGENIC; MORVAN DISEASE; NEUROPATHY, CONGENITAL SENSORY; NEUROPATHY, HEREDITARY SENSORY RADICULAR, AUTOSOMAL RECESSIVE; NEUROPATHY, HEREDITARY SENSORY, TYPE IIA. Identifiers: Orphanet 970, MedGen C2752089, MONDO:0024309, OMIM 201300.
Pseudohypoaldosteronism type 2C (PHA2C). Also called: Pseudohypoaldosteronism Type IIC. Identifiers: Orphanet 757, Orphanet 88940, MedGen C1840391, MONDO:0013778, OMIM 614492.

gnomAD v4.1: 2 of 1,600,974 alleles (0.00012%); highest among the groups gnomAD compares: Non-Finnish European, 0.00017%; no homozygotes.

Submission:

Labcorp Genetics (formerly Invitae), Labcorp
Classification: Uncertain significance for Neuropathy, hereditary sensory and autonomic, type 2A; Pseudohypoaldosteronism type 2C. Last evaluated: 2024-03-12. Review status: criteria provided, single submitter. Criteria: Invitae Variant Classification Sherloc (09022015). Collection method: clinical testing. Allele origin: germline.
Comment: This sequence change replaces glycine, which is neutral and non-polar, with valine, which is neutral and non-polar, at codon 1996 of the WNK1 protein (p.Gly1996Val). This variant is present in population databases (no rsID available, gnomAD 0.0009%). This variant has not been reported in the literature in individuals affected with WNK1-related conditions. Advanced modeling of protein sequence and biophysical properties (such as structural, functional, and spatial information, amino acid conservation, physicochemical variation, residue mobility, and thermodynamic stability) performed at Invitae indicates that this missense variant is not expected to disrupt WNK1 protein function with a negative predictive value of 95%. In summary, the available evidence is currently insufficient to determine the role of this variant in disease. Therefore, it has been classified as a Variant of Uncertain Significance.